The following is an entry in ClinVar:

ClinVar aggregate classification (germline): Uncertain significance (1 of 4 stars; one submission).

Submission:

GeneDx
Classification: Uncertain significance. Last evaluated: 2025-02-13. Review status: criteria provided, single submitter. Criteria: GeneDx Variant Classification Process June 2021. Collection method: clinical testing. Allele origin: germline. Affected: yes.
Comment: Not observed at significant frequency in large population cohorts (gnomAD); In silico analysis indicates that this missense variant does not alter protein structure/function; Has not been previously published as pathogenic or benign to our knowledge

NM_001170629.2(CHD8):c.5023T>A (p.Leu1675Met)

Gene: CHD8 (chromodomain helicase DNA binding protein 8; minus strand). Cytogenetic location: 14q11.2.
Variant type: single nucleotide variant.
Coding change: c.5023T>A on transcript NM_001170629.2 (MANE Select); coding-DNA position 5023, T replaced by A.
Protein change: p.Leu1675Met; replaces leucine 1675 with methionine.
Molecular consequence: missense variant.
Genome position (GRCh38, 1-based): chr14:21,397,851, A>T on the plus strand (T>A on the coding strand, the complement: CHD8 is on the minus strand). VCF-style: chr14-21397851-A-T. GRCh37 (hg19) VCF-style: chr14-21866010-A-T.
Other names: c.4186T>A, p.Leu1396Met (NM_020920.4); short protein forms L1396M, L1675M.
Identifiers: ClinVar variation 4075504 (VCV004075504.1).